The following is an entry in ClinVar:

ClinVar aggregate classification (germline): Conflicting classifications of pathogenicity. Review status: criteria provided, conflicting classifications (1 of 4 stars). 3 submissions from 3 submitters: Uncertain significance (2); Likely benign (1). Last evaluated 2026-05-06.

Conditions:
ZNF469-related disorder. Also called: ZNF469-related condition.
Cardiovascular phenotype. Identifiers: MedGen CN230736.

Allele frequency attached by ClinVar (database versions not stated): gnomAD exomes 0.00002; TOPMed 0.00003; gnomAD 0.00005.
gnomAD v4.1: 36 of 1,488,266 alleles (0.0024%); highest among the groups gnomAD compares: Non-Finnish European, 0.0029%; no homozygotes.

Submissions (3):

Women's Health and Genetics/Laboratory Corporation of America, LabCorp
Classification: Uncertain significance. Last evaluated: 2026-05-06. Review status: criteria provided, single submitter. Criteria: LabCorp Variant Classification Summary - May 2015. Collection method: clinical testing. Allele origin: germline.
Comment: Variant summary: ZNF469 c.3097A>G (p.Arg1033Gly) results in a non-conservative amino acid change in the encoded protein sequence. Algorithms developed to predict the effect of missense changes on protein structure and function are either unavailable or do not agree on the potential impact of this missense change. The variant allele was found at a frequency of 1.1e-05 in 91200 control chromosomes. The available data on variant occurrences in the general population are insufficient to allow any conclusion about variant significance. To our knowledge, no occurrence of c.3097A>G in individuals affected with ZNF469-related conditions and no experimental evidence demonstrating its impact on protein function have been reported. ClinVar contains an entry for this variant (Variation ID: 1727520). Based on the evidence outlined above, the variant was classified as uncertain significance.

PreventionGenetics, part of Exact Sciences
Classification: Uncertain significance for ZNF469-related condition. Last evaluated: 2024-12-09. Review status: criteria provided, single submitter. Criteria: ACMG Guidelines, 2015. Collection method: clinical testing. Allele origin: germline.
Comment: The ZNF469 c.3097A>G variant is predicted to result in the amino acid substitution p.Arg1033Gly. To our knowledge, this variant has not been reported in the literature. This variant is reported in 0.0041% of alleles in individuals of European (Non-Finnish) descent in gnomAD. At this time, the clinical significance of this variant is uncertain due to the absence of conclusive functional and genetic evidence.

Ambry Genetics
Classification: Likely benign for Cardiovascular phenotype. Last evaluated: 2024-05-26. Review status: criteria provided, single submitter. Criteria: Ambry Variant Classification Scheme 2023. Collection method: clinical testing. Allele origin: germline.

NM_001367624.2(ZNF469):c.3097A>G (p.Arg1033Gly)

Gene: ZNF469 (zinc finger protein 469; plus strand). Cytogenetic location: 16q24.2.
Variant type: single nucleotide variant.
Coding change: c.3097A>G on transcript NM_001367624.2 (MANE Select); coding-DNA position 3097, A replaced by G.
Protein change: p.Arg1033Gly; replaces arginine 1033 with glycine.
Molecular consequence: missense variant.
Genome position (GRCh38, 1-based): chr16:88,430,567, A>G. VCF-style: chr16-88430567-A-G. GRCh37 (hg19) VCF-style: chr16-88496975-A-G.
Other names: NM_001127464.1:c.3097A>G; NM_001127464.2:c.3097A>G; short protein forms R1033G.
Identifiers: ClinVar variation 1727520 (VCV001727520.5), dbSNP rs1008392749, ClinGen allele CA286374457.
Genomic context (GRCh38, chr16:88,430,567, plus strand): 5'-CCGAGAGCCGCCGCCCTCCCCGAGGAGACCCGCAGCTCCCGGCGCCGCCGGCTGCCCCCC[A>G]GGAAGGACCCCAGGAAGAGGAAGGCTCGGGGCGGCGCCTGGGGCAAGGAGCTCATTCTGA-3'
Protein context (NP_001354553.1, residues 1023-1043): RSSRRRRLPP[Arg1033Gly]KDPRKRKARG